The following is an entry in ClinVar:

Single allele

Genes: PSMA3 (proteasome 20S subunit alpha 3; plus strand), PSMA3-AS1 (PSMA3 antisense RNA 1; minus strand), LOC111365186 (HNF4 motif-containing MPRA enhancer 46; plus strand). Cytogenetic location: 14q23.1.
Variant type: Deletion.
Identifiers: ClinVar variation 3764744 (VCV003764744.1).

ClinVar aggregate classification (germline): Uncertain significance (0 of 4 stars; one submission).

Submission:

Solve-RD Consortium
Classification: Uncertain significance. Last evaluated: 2024-09-01. Review status: no assertion criteria provided. Collection method: provider interpretation. Allele origin: unknown. Affected: yes. Study: Solve-RD Consortium.
Comment: The variant is a 15.3 kb deletion on Chromosome 14, encompassing the three last exons (ex 9-11) of PSMA3. PSMA3 is expressed in tissues throughout the body. PSMA3 is a proteasome subunit and contributes to the proteolytic pathway of aberrant proteins and/or proteins with high turnover rates in the ubiquitin-proteasome system. PSMA3 has not previously been linked to disease, but variants in genes contributing to the ubiquitin-proteasome system have been linked to several neurodegenerative diseases caused by the aggregation of neurotoxic proteins in the absence of a functioning ubiquitin-proteasome system. The C-terminal region of PSMA3 has been proposed to target intrinsically disordered proteins for degradation (PMID:36291102). This deletion was confirmed by the submitting clinician to impact a gene that may correspond with the phenotype of the affected individual.

Literature cited by the submitters: PubMed 36291102.